The following is an entry in ClinVar:

ClinVar aggregate classification (germline): Uncertain significance. Review status: criteria provided, multiple submitters, no conflicts (2 of 4 stars). 11 submissions from 11 submitters: Uncertain significance (10). 1 of the submissions does not count toward it. Last evaluated 2026-01-26.

Conditions:
ATM-related disorder. Also called: ATM-related disorders; ATM-related condition.
Hereditary cancer-predisposing syndrome. Also called: Neoplastic Syndromes, Hereditary; Hereditary Cancer Syndrome; Tumor predisposition; Hereditary neoplastic syndrome. Identifiers: Orphanet 140162, MedGen C0027672, MeSH D009386, MONDO:0015356.
Ataxia-telangiectasia syndrome (AT). Also called: Cerebello-oculocutaneous telangiectasia; Immunodeficiency with ataxia telangiectasia; LOUIS-BAR SYNDROME; Ataxia-telangiectasia, complementation group D; AT, COMPLEMENTATION GROUP C; ATAXIA-TELANGIECTASIA, COMPLEMENTATION GROUP A. Identifiers: Orphanet 100, MedGen C0004135, MONDO:0008840, OMIM 208900.
Familial cancer of breast. Also called: Hereditary breast cancer; hereditary breast carcinoma; BREAST CANCER, FAMILIAL. Identifiers: Orphanet 227535, MedGen C0346153, MONDO:0016419, OMIM 114480. Disease mechanism: loss of function.

Allele frequency attached by ClinVar (database versions not stated): gnomAD exomes below 0.00001; ExAC 0.00001; gnomAD 0.00002; TOPMed 0.00003.
gnomAD v4.1: 28 of 1,611,232 alleles (0.0017%); highest among the groups gnomAD compares: African/African-American, 0.0027%; no homozygotes.

Submissions (11):

Labcorp Genetics (formerly Invitae), Labcorp
Classification: Uncertain significance for Ataxia-telangiectasia syndrome. Last evaluated: 2026-01-26. Review status: criteria provided, single submitter. Criteria: Invitae Variant Classification Sherloc (09022015). Collection method: clinical testing. Allele origin: germline.
Comment: This sequence change replaces cysteine, which is neutral and slightly polar, with tyrosine, which is neutral and polar, at codon 730 of the ATM protein (p.Cys730Tyr). This variant is present in population databases (rs587781595, gnomAD 0.01%). This variant has not been reported in the literature in individuals affected with ATM-related conditions. ClinVar contains an entry for this variant (Variation ID: 141238). Invitae Evidence Modeling of protein sequence and biophysical properties (such as structural, functional, and spatial information, amino acid conservation, physicochemical variation, residue mobility, and thermodynamic stability) indicates that this missense variant is not expected to disrupt ATM protein function with a negative predictive value of 95%. In summary, the available evidence is currently insufficient to determine the role of this variant in disease. Therefore, it has been classified as a Variant of Uncertain Significance.

Color Diagnostics, LLC DBA Color Health
Classification: Uncertain significance for Hereditary cancer-predisposing syndrome. Last evaluated: 2024-10-29. Review status: criteria provided, single submitter. Criteria: ACMG Guidelines, 2015. Collection method: clinical testing. Allele origin: germline.
Comment: This missense variant replaces cysteine with tyrosine at codon 730 of the ATM protein. Computational prediction suggests that this variant may not impact protein structure and function. To our knowledge, functional studies have not been performed for this variant. In a large international case-control meta-analysis, this variant was reported in 1/60466 breast cancer cases and 1/53461 controls (PMID: 33471991). This variant has been identified in 3/282594 chromosomes in the general population by the Genome Aggregation Database (gnomAD). The available evidence is insufficient to determine the role of this variant in disease conclusively. Therefore, this variant is classified as a Variant of Uncertain Significance.

Ambry Genetics
Classification: Uncertain significance for Hereditary cancer-predisposing syndrome. Last evaluated: 2023-11-15. Review status: criteria provided, single submitter. Criteria: Ambry Variant Classification Scheme 2023. Collection method: clinical testing. Allele origin: germline.
Comment: The p.C730Y variant (also known as c.2189G>A), located in coding exon 13 of the ATM gene, results from a G to A substitution at nucleotide position 2189. The cysteine at codon 730 is replaced by tyrosine, an amino acid with highly dissimilar properties. This amino acid position is well conserved in available vertebrate species. In addition, the in silico prediction for this alteration is inconclusive. Since supporting evidence is limited at this time, the clinical significance of this alteration remains unclear.

Blueprint Genetics
Classification: Uncertain significance. Last evaluated: 2023-09-07. Review status: criteria provided, single submitter. Criteria: ACMG Guidelines, 2015. Collection method: clinical testing. Allele origin: germline.

Greenwood Genetic Center Diagnostic Laboratories, Greenwood Genetic Center
Classification: Uncertain significance. Last evaluated: 2023-08-03. Review status: criteria provided, single submitter. Criteria: ACMG Guidelines, 2015. Collection method: clinical testing. Allele origin: germline. Affected: yes.
Comment: BP4

GeneDx
Classification: Uncertain significance. Last evaluated: 2023-06-25. Review status: criteria provided, single submitter. Criteria: GeneDx Variant Classification Process June 2021. Collection method: clinical testing. Allele origin: germline. Affected: yes.
Comment: Not observed at significant frequency in large population cohorts (gnomAD); In silico analysis supports that this missense variant has a deleterious effect on protein structure/function; Identified in individual(s) with breast cancer and also in unaffected control(s) (Dorling et al., 2021); This variant is associated with the following publications: (PMID: 33471991)

PreventionGenetics, part of Exact Sciences
Classification: Uncertain significance for ATM-related condition. Last evaluated: 2022-12-01. Review status: criteria provided, single submitter. Criteria: ACMG Guidelines, 2015. Collection method: clinical testing. Allele origin: germline.
Comment: The ATM c.2189G>A variant is predicted to result in the amino acid substitution p.Cys730Tyr. To our knowledge, this variant has not been reported in the literature. This variant is reported in 0.0040% of alleles in individuals of African descent in gnomAD and is interpreted as uncertain significance in ClinVar. At this time, the clinical significance of this variant is uncertain due to the absence of conclusive functional and genetic evidence.

Sema4
Classification: Uncertain significance for Hereditary cancer-predisposing syndrome. Last evaluated: 2021-07-21. Review status: criteria provided, single submitter. Criteria: Sema4 Curation Guidelines. Collection method: curation. Allele origin: germline.
Comment: The ATM c.2189G>A (p.C730Y) variant has been reported in an individual with breast cancer, but was also reported in a healthy control from the same study (PMID: 33471991). It was observed in 1/24966 chromosomes of the African/African American subpopulation in the large and broad cohorts of the Genome Aggregation Database (PMID: 32461654). The variant has been reported in ClinVar (Variation ID 141238). Functional studies have not been performed and in silico tool predictions of the variants effect on protein function are inconclusive. The evidence is insufficient to meet ACMG/AMP criteria for classifying the variant as benign or pathogenic. Thus, the clinical significance of this variant is currently uncertain.

Illumina Laboratory Services, Illumina
Classification: Uncertain significance for Ataxia-telangiectasia syndrome. Last evaluated: 2018-01-13. Review status: criteria provided, single submitter. Criteria: ICSL Variant Classification Criteria 13 December 2019. Collection method: clinical testing. Allele origin: germline.

Fulgent Genetics
Classification: Uncertain significance for Familial cancer of breast; Ataxia-telangiectasia syndrome. Last evaluated: 2017-05-23. Review status: criteria provided, single submitter. Criteria: ACMG Guidelines, 2015. Collection method: clinical testing. Allele origin: unknown.

Natera, Inc.
Classification: Uncertain significance for Ataxia-telangiectasia. Last evaluated: 2021-03-19. Review status: no assertion criteria provided. Collection method: clinical testing. Allele origin: germline. Not counted in ClinVar's aggregate classification.

Literature cited by the submitters: PubMed 33471991 (cited by Color Diagnostics, LLC DBA Color Health and Sema4).

NM_000051.4(ATM):c.2189G>A (p.Cys730Tyr)

Gene: ATM (ATM serine/threonine kinase; plus strand). Cytogenetic location: 11q22.3.
Variant type: single nucleotide variant.
Coding change: c.2189G>A on transcript NM_000051.4 (MANE Select); coding-DNA position 2189, G replaced by A.
Protein change: p.Cys730Tyr; replaces cysteine 730 with tyrosine.
Molecular consequence: missense variant.
Genome position (GRCh38, 1-based): chr11:108,256,279, G>A. VCF-style: chr11-108256279-G-A. GRCh37 (hg19) VCF-style: chr11-108127006-G-A.
Other names: c.2189G>A, p.Cys730Tyr (NM_001351834.2); short protein forms C730Y.
Identifiers: ClinVar variation 141238 (VCV000141238.33), dbSNP rs587781595, ClinGen allele CA164885.